The following is an entry in ClinVar:

ClinVar aggregate classification (germline): Uncertain significance (1 of 4 stars; one submission).

gnomAD v4.1: 1 of 1,614,190 alleles (0.000062%); highest among the groups gnomAD compares: Non-Finnish European, 0.000085%; no homozygotes.

Submission:

Ambry Genetics
Classification: Uncertain significance. Last evaluated: 2024-04-04. Review status: criteria provided, single submitter. Criteria: Ambry Variant Classification Scheme 2023. Collection method: clinical testing. Allele origin: germline.
Comment: The p.H240Y variant (also known as c.718C>T), located in coding exon 6 of the RINT1 gene, results from a C to T substitution at nucleotide position 718. The histidine at codon 240 is replaced by tyrosine, an amino acid with similar properties. This amino acid position is conserved. In addition, this alteration is predicted to be tolerated by in silico analysis. Based on the available evidence, the clinical significance of this variant remains unclear.

NM_021930.6(RINT1):c.718C>T (p.His240Tyr)

Gene: RINT1 (RAD50 interactor 1; plus strand). Cytogenetic location: 7q22.3.
Variant type: single nucleotide variant.
Coding change: c.718C>T on transcript NM_021930.6 (MANE Select); coding-DNA position 718, C replaced by T.
Protein change: p.His240Tyr; replaces histidine 240 with tyrosine.
Molecular consequence: missense variant. On other transcripts: 5 prime UTR variant (2), non-coding transcript variant (1), intron variant (1).
Genome position (GRCh38, 1-based): chr7:105,547,212, C>T. VCF-style: chr7-105547212-C-T. GRCh37 (hg19) VCF-style: chr7-105187659-C-T.
Other names: c.484C>T, p.His162Tyr (NM_001346599.2); c.-302C>T (NM_001346600.2); c.-205C>T (NM_001346601.2); c.-27-2843C>T (NM_001346603.2); short protein forms H162Y, H240Y.
Identifiers: ClinVar variation 3314445 (VCV003314445.1).